The following is an entry in ClinVar:

NM_000179.3(MSH6):c.993A>G (p.Ser331=)

Gene: MSH6 (mutS homolog 6; plus strand). Cytogenetic location: 2p16.3.
Variant type: single nucleotide variant.
Coding change: c.993A>G on transcript NM_000179.3 (MANE Select); coding-DNA position 993, A replaced by G.
Protein change: p.Ser331=; no amino-acid change (serine 331 retained).
Molecular consequence: synonymous variant.
Genome position (GRCh38, 1-based): chr2:47,798,976, A>G. VCF-style: chr2-47798976-A-G. GRCh37 (hg19) VCF-style: chr2-48026115-A-G.
Other names: c.603A>G, p.Ser201= (NM_001281492.2); c.87A>G, p.Ser29= (NM_001281493.2, NM_001281494.2).
Identifiers: ClinVar variation 416155 (VCV000416155.13), dbSNP rs1060504750, ClinGen allele CA16610940.

ClinVar aggregate classification (germline): Benign/Likely benign. Review status: criteria provided, multiple submitters, no conflicts (2 of 4 stars). 3 submissions from 3 submitters: Benign (1); Likely benign (2). Last evaluated 2024-12-20.

Conditions:
Hereditary nonpolyposis colorectal neoplasms. Identifiers: MedGen C0009405, MeSH D003123.
Hereditary cancer-predisposing syndrome. Also called: Tumor predisposition; Neoplastic Syndromes, Hereditary; Hereditary neoplastic syndrome; Hereditary Cancer Syndrome. Identifiers: Orphanet 140162, MedGen C0027672, MeSH D009386, MONDO:0015356.
Lynch syndrome 5 (LYNCH5). Also called: Colorectal cancer, hereditary nonpolyposis, type 5; Hereditary non-polyposis colorectal cancer, type 5. Identifiers: Orphanet 144, MedGen C1833477, MONDO:0013710, OMIM 614350. Disease mechanism: loss of function.

Allele frequency attached by ClinVar (database versions not stated): gnomAD exomes below 0.00001.

Submissions (3):

Myriad Genetics, Inc.
Classification: Benign for Lynch syndrome 5. Last evaluated: 2024-12-20. Review status: criteria provided, single submitter. Criteria: Myriad Autosomal Dominant, Autosomal Recessive and X-Linked Classification Criteria (2023). Collection method: clinical testing. Allele origin: unknown.
Comment: This variant is considered benign. This variant is a silent/synonymous amino acid change and it is not expected to impact splicing.

Ambry Genetics
Classification: Likely benign for Hereditary cancer-predisposing syndrome. Last evaluated: 2024-03-13. Review status: criteria provided, single submitter. Criteria: Ambry Variant Classification Scheme 2023. Collection method: clinical testing. Allele origin: germline.

Labcorp Genetics (formerly Invitae), Labcorp
Classification: Likely benign for Hereditary nonpolyposis colorectal neoplasms. Last evaluated: 2016-08-04. Review status: criteria provided, single submitter. Criteria: Invitae Variant Classification Sherloc (09022015). Collection method: clinical testing. Allele origin: germline.